The following is an entry in ClinVar:

ClinVar aggregate classification (germline): Uncertain significance (1 of 4 stars; one submission).

Conditions:
Emery-Dreifuss muscular dystrophy 4, autosomal dominant (EDMD4). Also called: EMERY-DREIFUSS MUSCULAR DYSTROPHY 4 WITH VARIABLE FEATURES. Identifiers: Orphanet 261, MedGen C2751807, MONDO:0013071, OMIM 612998.
Autosomal recessive ataxia, Beauce type. Also called: SYNE1-Related Autosomal Recessive Cerebellar Ataxia; Spinocerebellar ataxia, autosomal recessive 8; ATAXIA, RECESSIVE, OF BEAUCE; SYNE1 Deficiency. Identifiers: Orphanet 88644, MedGen C1853116, MONDO:0012549, OMIM 610743.

Submission:

Labcorp Genetics (formerly Invitae), Labcorp
Classification: Uncertain significance for Emery-Dreifuss muscular dystrophy 4, autosomal dominant; Autosomal recessive ataxia, Beauce type. Last evaluated: 2020-03-04. Review status: criteria provided, single submitter. Criteria: Invitae Variant Classification Sherloc (09022015). Collection method: clinical testing. Allele origin: germline.
Comment: In summary, this variant is a novel missense change with uncertain impact on protein function. Therefore, it has been classified as a Variant of Uncertain Significance. Algorithms developed to predict the effect of missense changes on protein structure and function do not agree on the potential impact of this missense change (SIFT: "Deleterious"; PolyPhen-2: "Possibly Damaging"; Align-GVGD: "Class C0"). This variant is not present in population databases (ExAC no frequency) and has not been reported in the literature in individuals with a SYNE1-related disease. This sequence change replaces valine with glycine at codon 28 of the SYNE1 protein (p.Val28Gly). The valine residue is moderately conserved and there is a moderate physicochemical difference between valine and glycine.

NM_182961.4(SYNE1):c.83T>G (p.Val28Gly)

Gene: SYNE1 (spectrin repeat containing nuclear envelope protein 1; minus strand). Cytogenetic location: 6q25.2.
Variant type: single nucleotide variant.
Coding change: c.83T>G on transcript NM_182961.4 (MANE Select); coding-DNA position 83, T replaced by G.
Protein change: p.Val28Gly; replaces valine 28 with glycine.
Molecular consequence: missense variant.
Genome position (GRCh38, 1-based): chr6:152,540,006, A>C on the plus strand (T>G on the coding strand, the complement: SYNE1 is on the minus strand). VCF-style: chr6-152540006-A-C. GRCh37 (hg19) VCF-style: chr6-152861141-A-C.
Other names: c.83T>G, p.Val28Gly (NM_033071.5); short protein forms V28G.
Identifiers: ClinVar variation 471057 (VCV000471057.9), dbSNP rs1554878579, ClinGen allele CA366120883.
Genomic context (GRCh38, chr6:152,540,006, plus strand): 5'-GTAGTTTCCTTTACCTTGGCCAGATGAGAGTTGATCCATTTTGTGAAAGTTCGTTTTTGT[A>C]CTATCTCTTGCTCATCTAGAAGGAAAAAGAAATCTGGTTAAATAATGTAATATTTCATGA-3'
Protein context (NP_892006.3, residues 18-38): MQRLQDEQEI[Val28Gly]QKRTFTKWIN